The following is an entry in ClinVar:

ClinVar aggregate classification (germline): Uncertain significance. Review status: criteria provided, multiple submitters, no conflicts (2 of 4 stars). 4 submissions from 4 submitters: Uncertain significance (3). 1 of the submissions does not count toward it. Last evaluated 2022-06-20.

Conditions:
Neuronal ceroid lipofuscinosis. Also called: Neuronal Ceroid Lipofuscinoses. Identifiers: Orphanet 216, Orphanet 79263, MedGen C0027877, MONDO:0016295. Disease mechanism: loss of function.
Ceroid lipofuscinosis, neuronal, 6A. Also called: CLN6-Related Neuronal Ceroid-Lipofuscinosis; Neuronal ceroid lipofuscinosis, late infantile, variant; Neuronal ceroid lipofuscinosis, Gypsy/Indian early juvenile variant; Neuronal ceroid lipofuscinosis 6. Identifiers: Orphanet 168491, Orphanet 228363, MedGen C5551375, MONDO:0011144, OMIM 601780.
Inborn genetic diseases. Identifiers: MedGen C0950123, MeSH D030342.

Allele frequency attached by ClinVar (database versions not stated): gnomAD 0.00001; gnomAD exomes 0.00001; TOPMed 0.00003.
gnomAD v4.1: 8 of 1,613,310 alleles (0.0005%); highest among the groups gnomAD compares: African/African-American, 0.0027%; no homozygotes.

Submissions (4):

Labcorp Genetics (formerly Invitae), Labcorp
Classification: Uncertain significance for Neuronal ceroid lipofuscinosis. Last evaluated: 2022-06-20. Review status: criteria provided, single submitter. Criteria: Invitae Variant Classification Sherloc (09022015). Collection method: clinical testing. Allele origin: germline.
Comment: This sequence change replaces glutamic acid, which is acidic and polar, with lysine, which is basic and polar, at codon 102 of the CLN6 protein (p.Glu102Lys). This variant is not present in population databases (gnomAD no frequency). This variant has not been reported in the literature in individuals affected with CLN6-related conditions. ClinVar contains an entry for this variant (Variation ID: 205165). Algorithms developed to predict the effect of missense changes on protein structure and function (SIFT, PolyPhen-2, Align-GVGD) all suggest that this variant is likely to be disruptive. In summary, the available evidence is currently insufficient to determine the role of this variant in disease. Therefore, it has been classified as a Variant of Uncertain Significance.

Ambry Genetics
Classification: Uncertain significance for Inborn genetic diseases. Last evaluated: 2022-06-17. Review status: criteria provided, single submitter. Criteria: Ambry Variant Classification Scheme 2023. Collection method: clinical testing. Allele origin: germline.

GeneDx
Classification: Uncertain significance. Last evaluated: 2016-09-27. Review status: criteria provided, single submitter. Criteria: GeneDx Variant Classification (06012015). Collection method: clinical testing. Allele origin: germline. Affected: yes.
Comment: The E102K variant has not been published as a pathogenic variant, nor has it been reported as a benign variant to our knowledge. It was not observed in approximately 6,500 individuals of European and African American ancestry in the NHLBI Exome Sequencing Project, indicating it is not a common benign variant in these populations. The E102K variant is a non-conservative amino acid substitution, which is likely to impact secondary protein structure as these residues differ in polarity, charge, size and/or other properties. This substitution occurs at a position predicted that is conserved across species, and missense variants in nearby residues (R103W, R103Q, S104F) have been reported in the Human Gene Mutation Database in association with neuronal ceroid lipofuscinosis (Stenson et al., 2014). In silico analysis predicts this variant is probably damaging to the protein structure/function. Based on the currently available information, it is unclear whether this variant is a pathogenic variant or a rare benign variant.

Counsyl
Classification: Uncertain significance for Ceroid lipofuscinosis, neuronal, 6A. Last evaluated: 2017-04-10. Review status: no assertion criteria provided. Collection method: clinical testing. Allele origin: unknown. Not counted in ClinVar's aggregate classification.

NM_017882.3(CLN6):c.304G>A (p.Glu102Lys)

Gene: CLN6 (CLN6 transmembrane ER protein; minus strand). Cytogenetic location: 15q23.
Variant type: single nucleotide variant.
Coding change: c.304G>A on transcript NM_017882.3 (MANE Select); coding-DNA position 304, G replaced by A.
Protein change: p.Glu102Lys; replaces glutamic acid 102 with lysine.
Molecular consequence: missense variant.
Genome position (GRCh38, 1-based): chr15:68,211,857, C>T on the plus strand (G>A on the coding strand, the complement: CLN6 is on the minus strand). VCF-style: chr15-68211857-C-T. GRCh37 (hg19) VCF-style: chr15-68504195-C-T.
Other names: p.E102K:GAG>AAG; short protein forms E102K.
Identifiers: ClinVar variation 205165 (VCV000205165.7), dbSNP rs796052352, ClinGen allele CA313960.